The following is an entry in ClinVar:

NM_002473.6(MYH9):c.4221C>T (p.Ala1407=)

Gene: MYH9 (myosin heavy chain 9; minus strand). Cytogenetic location: 22q12.3.
Variant type: single nucleotide variant.
Coding change: c.4221C>T on transcript NM_002473.6 (MANE Select); coding-DNA position 4221, C replaced by T.
Protein change: p.Ala1407=; no amino-acid change (alanine 1407 retained).
Molecular consequence: synonymous variant.
Genome position (GRCh38, 1-based): chr22:36,292,109, G>A on the plus strand (C>T on the coding strand, the complement: MYH9 is on the minus strand). VCF-style: chr22-36292109-G-A. GRCh37 (hg19) VCF-style: chr22-36688155-G-A.
Identifiers: ClinVar variation 3043725 (VCV003043725.2), dbSNP rs2517958256, ClinGen allele CA514353006.

ClinVar aggregate classification (germline): Likely benign (0 of 4 stars; one submission).

Conditions:
MYH9-related disorder. Identifiers: MedGen C1854520.

gnomAD v4.1: 1 of 1,614,162 alleles (0.000062%); highest among the groups gnomAD compares: Non-Finnish European, 0.000085%; no homozygotes.

Submission:

PreventionGenetics, part of Exact Sciences
Classification: Likely benign for MYH9-related condition. Last evaluated: 2022-08-26. Review status: no assertion criteria provided. Collection method: clinical testing. Allele origin: germline.
Comment: This variant is classified as likely benign based on ACMG/AMP sequence variant interpretation guidelines (Richards et al. 2015 PMID: 25741868, with internal and published modifications).